The following is an entry in ClinVar:

ClinVar aggregate classification (germline): Conflicting classifications of pathogenicity. Review status: criteria provided, conflicting classifications (1 of 4 stars). 2 submissions from 2 submitters: Uncertain significance (1); Likely benign (1). Last evaluated 2025-09-29.

Conditions:
Inborn genetic diseases. Identifiers: MedGen C0950123, MeSH D030342.
Acute myeloid leukemia (AML). Also called: Acute myeloid leukemia, adult; AML adult; Acute non-lymphocytic leukemia; Acute granulocytic leukemia; Leukemia, acute myeloid, somatic; Leukemia, acute myelogenous, somatic. Identifiers: Orphanet 519, MedGen C0023467, MeSH D015470, MONDO:0018874, OMIM 601626, HP:0004808. Disease mechanism: Constitutively activated FLT3.

gnomAD v4.1: 3 of 1,432,510 alleles (0.00021%); highest among the groups gnomAD compares: Non-Finnish European, 0.00028%; no homozygotes.

Submissions (2):

Labcorp Genetics (formerly Invitae), Labcorp
Classification: Uncertain significance for Acute myeloid leukemia. Last evaluated: 2025-09-29. Review status: criteria provided, single submitter. Criteria: Invitae Variant Classification Sherloc (09022015). Collection method: clinical testing. Allele origin: germline.
Comment: This sequence change affects codon 86 of the CEBPA mRNA. It is a 'silent' change, meaning that it does not change the encoded amino acid sequence of the CEBPA protein. This variant is not present in population databases (gnomAD no frequency). This variant has not been reported in the literature in individuals affected with CEBPA-related conditions. ClinVar contains an entry for this variant (Variation ID: 3999983). In summary, the available evidence is currently insufficient to determine the role of this variant in disease. Therefore, it has been classified as a Variant of Uncertain Significance.

Ambry Genetics
Classification: Likely benign for Inborn genetic diseases. Last evaluated: 2025-03-29. Review status: criteria provided, single submitter. Criteria: Ambry Variant Classification Scheme 2023. Collection method: clinical testing. Allele origin: germline.

NM_004364.5(CEBPA):c.258G>A (p.Arg86=)

Gene: CEBPA (CCAAT enhancer binding protein alpha; minus strand). Cytogenetic location: 19q13.11.
Variant type: single nucleotide variant.
Coding change: c.258G>A on transcript NM_004364.5 (MANE Select); coding-DNA position 258, G replaced by A.
Protein change: p.Arg86=; no amino-acid change (arginine 86 retained).
Molecular consequence: synonymous variant. On other transcripts: 5 prime UTR variant (1).
Genome position (GRCh38, 1-based): chr19:33,302,157, C>T on the plus strand (G>A on the coding strand, the complement: CEBPA is on the minus strand). VCF-style: chr19-33302157-C-T. GRCh37 (hg19) VCF-style: chr19-33793063-C-T.
Other names: c.-100G>A (NM_001285829.2); c.363G>A, p.Arg121= (NM_001287424.2); c.216G>A, p.Arg72= (NM_001287435.2).
Identifiers: ClinVar variation 3999983 (VCV003999983.2).
Genomic context (GRCh38, chr19:33,302,157, plus strand): 5'-AAAGTCGCCGCCGCCGCCGCCGCCCGTGGGGCCCACGGCCGCCTTGGCCTTCTCCTGCTG[C>T]CGGCTGTGCTGGAACAGGTCGGCCAGGAACTCGTCGTTGAAGGCGGCCGGGTCGATGTAG-3'
Protein context (NP_004355.2, residues 76-96): EFLADLFQHS[Arg86=]QQEKAKAAVG